The following is an entry in ClinVar:

ClinVar aggregate classification (germline): Uncertain significance (1 of 4 stars; one submission).

Conditions:
Inborn genetic diseases. Identifiers: MedGen C0950123, MeSH D030342.

Allele frequency attached by ClinVar (database versions not stated): ExAC 0.00001; gnomAD 0.00001; 1000 Genomes Project 30x 0.00016; 1000 Genomes Project 0.00020.
gnomAD v4.1: 1 of 1,614,188 alleles (0.000062%); highest among the groups gnomAD compares: South Asian, 0.0011%; no homozygotes.

Submission:

Ambry Genetics
Classification: Uncertain significance for Inborn genetic diseases. Last evaluated: 2019-01-14. Review status: criteria provided, single submitter. Criteria: Ambry Variant Classification Scheme 2023. Collection method: clinical testing. Allele origin: germline.
Comment: The p.S1304F variant (also known as c.3911C>T), located in coding exon 7 of the ANKRD11 gene, results from a C to T substitution at nucleotide position 3911. The serine at codon 1304 is replaced by phenylalanine, an amino acid with highly dissimilar properties. This amino acid position is highly conserved in available vertebrate species. In addition, this alteration is predicted to be tolerated by in silico analysis. Since supporting evidence is limited at this time, the clinical significance of this alteration remains unclear.

NM_013275.6(ANKRD11):c.3911C>T (p.Ser1304Phe)

Gene: ANKRD11 (ankyrin repeat domain containing 11; minus strand). Cytogenetic location: 16q24.3.
Variant type: single nucleotide variant.
Coding change: c.3911C>T on transcript NM_013275.6 (MANE Select); coding-DNA position 3911, C replaced by T.
Protein change: p.Ser1304Phe; replaces serine 1304 with phenylalanine.
Molecular consequence: missense variant.
Genome position (GRCh38, 1-based): chr16:89,282,631, G>A on the plus strand (C>T on the coding strand, the complement: ANKRD11 is on the minus strand). VCF-style: chr16-89282631-G-A. GRCh37 (hg19) VCF-style: chr16-89349039-G-A.
Other names: c.3911C>T, p.Ser1304Phe (NM_001256182.2, NM_001256183.2); short protein forms S1304F.
Identifiers: ClinVar variation 1736121 (VCV001736121.2), dbSNP rs538679598, ClinGen allele CA8242260.